The following is an entry in ClinVar:

ClinVar aggregate classification (germline): Uncertain significance. Review status: criteria provided, multiple submitters, no conflicts (2 of 4 stars). 2 submissions from 2 submitters: Uncertain significance (2). Last evaluated 2025-10-27.

Allele frequency attached by ClinVar (database versions not stated): gnomAD exomes below 0.00001; ExAC 0.00001; TOPMed 0.00001; ESP Exome Variant Server 0.00008.
gnomAD v4.1: 6 of 1,611,450 alleles (0.00037%); highest among the groups gnomAD compares: Non-Finnish European, 0.00051%; no homozygotes.

Submissions (2):

GeneDx
Classification: Uncertain significance. Last evaluated: 2025-10-27. Review status: criteria provided, single submitter. Criteria: GeneDx Variant Classification Process June 2021. Collection method: clinical testing. Allele origin: germline. Affected: yes.
Comment: In silico analysis supports that this missense variant does not alter protein structure/function; Has not been previously published as pathogenic or benign to our knowledge

Labcorp Genetics (formerly Invitae), Labcorp
Classification: Uncertain significance. Last evaluated: 2025-09-06. Review status: criteria provided, single submitter. Criteria: Invitae Variant Classification Sherloc (09022015). Collection method: clinical testing. Allele origin: germline.
Comment: This sequence change replaces valine, which is neutral and non-polar, with leucine, which is neutral and non-polar, at codon 497 of the WFS1 protein (p.Val497Leu). This variant is present in population databases (rs141254874, gnomAD 0.007%). This variant has not been reported in the literature in individuals affected with WFS1-related conditions. ClinVar contains an entry for this variant (Variation ID: 1339578). Invitae Evidence Modeling of protein sequence and biophysical properties (such as structural, functional, and spatial information, amino acid conservation, physicochemical variation, residue mobility, and thermodynamic stability) indicates that this missense variant is not expected to disrupt WFS1 protein function with a negative predictive value of 95%. In summary, the available evidence is currently insufficient to determine the role of this variant in disease. Therefore, it has been classified as a Variant of Uncertain Significance.

NM_006005.3(WFS1):c.1489G>C (p.Val497Leu)

Gene: WFS1 (wolframin ER transmembrane glycoprotein; plus strand). Cytogenetic location: 4p16.1.
Variant type: single nucleotide variant.
Coding change: c.1489G>C on transcript NM_006005.3 (MANE Select); coding-DNA position 1489, G replaced by C.
Protein change: p.Val497Leu; replaces valine 497 with leucine.
Molecular consequence: missense variant.
Genome position (GRCh38, 1-based): chr4:6,301,284, G>C. VCF-style: chr4-6301284-G-C. GRCh37 (hg19) VCF-style: chr4-6303011-G-C.
Other names: c.1489G>C, p.Val497Leu (NM_001145853.1); short protein forms V497L.
Identifiers: ClinVar variation 1339578 (VCV001339578.6), dbSNP rs141254874, ClinGen allele CA2839374.